The following is an entry in ClinVar:

ClinVar aggregate classification (germline): Uncertain significance (1 of 4 stars; one submission).

Submission:

Women's Health and Genetics/Laboratory Corporation of America, LabCorp
Classification: Uncertain significance. Last evaluated: 2023-08-14. Review status: criteria provided, single submitter. Criteria: LabCorp Variant Classification Summary - May 2015. Collection method: clinical testing. Allele origin: germline.
Comment: Variant summary: TANC2 c.77G>A (p.Ser26Asn) results in a conservative amino acid change in the encoded protein sequence. Five of five in-silico tools predict a benign effect of the variant on protein function. The variant was absent in 207842 control chromosomes (gnomAD). The available data on variant occurrences in the general population are insufficient to allow any conclusion about variant significance. To our knowledge, no occurrence of c.77G>A in individuals affected with Intellectual Developmental Disorder With Autistic Features And Language Delay, With Or Without Seizures and no experimental evidence demonstrating its impact on protein function have been reported. No submitters have cited clinical-significance assessments for this variant to ClinVar after 2014. Based on the evidence outlined above, the variant was classified as uncertain significance.

NM_001394998.1(TANC2):c.77G>A (p.Ser26Asn)

Gene: TANC2 (tetratricopeptide repeat, ankyrin repeat and coiled-coil containing 2; plus strand). Cytogenetic location: 17q23.2.
Variant type: single nucleotide variant.
Coding change: c.77G>A on transcript NM_001394998.1 (MANE Select); coding-DNA position 77, G replaced by A.
Protein change: p.Ser26Asn; replaces serine 26 with asparagine.
Molecular consequence: missense variant.
Genome position (GRCh38, 1-based): chr17:63,073,952, G>A. VCF-style: chr17-63073952-G-A. GRCh37 (hg19) VCF-style: chr17-61151313-G-A.
Other names: c.77G>A, p.Ser26Asn (NM_001411076.1, NM_025185.4); short protein forms S26N.
Identifiers: ClinVar variation 2581696 (VCV002581696.1), dbSNP rs2509899262, ClinGen allele CA400791934.
Genomic context (GRCh38, chr17:63,073,952, plus strand): 5'-TTATGTCAATCTCATTATCTATTTGCTTATGCTCCTTTTAATTTTATGCAGATGGAGGGA[G>A]CGAGGAACCACCGGATCGAAGACAGTCAAGTGTAGACTCTCGCCAAAGCCGCTCTGGGCA-3'
Protein context (NP_001381927.1, residues 16-36): SRKNRSSDGG[Ser26Asn]EEPPDRRQSS